The following is an entry in ClinVar:

NM_001281740.3(FHOD3):c.2782G>A (p.Val928Ile)

Gene: FHOD3 (formin homology 2 domain containing 3; plus strand). Cytogenetic location: 18q12.2.
Variant type: single nucleotide variant.
Coding change: c.2782G>A on transcript NM_001281740.3 (MANE Select); coding-DNA position 2782, G replaced by A.
Protein change: p.Val928Ile; replaces valine 928 with isoleucine.
Molecular consequence: missense variant.
Genome position (GRCh38, 1-based): chr18:36,718,080, G>A. VCF-style: chr18-36718080-G-A. GRCh37 (hg19) VCF-style: chr18-34298043-G-A.
Other names: c.2782G>A (NM_001281740.2); c.2206G>A, p.Val736Ile (NM_001281739.3); c.2257G>A, p.Val753Ile (NM_025135.5); short protein forms V736I, V753I, V928I.
Identifiers: ClinVar variation 3515304 (VCV003515304.5).
Genomic context (GRCh38, chr18:36,718,080, plus strand): 5'-AGGATATCCACCCTGCAGGCCAACTCTCAGACCCAGGATGAGAGTGTCAGGAGGGTGGAT[G>A]TCGGCTGTTTGGACAATCGGGGCAGTGTGAAAGCATTTGCTGAGAAATTCAACAGTGGGG-3'
Protein context (NP_001268669.1, residues 918-938): TQDESVRRVD[Val928Ile]GCLDNRGSVK

ClinVar aggregate classification (germline): Conflicting classifications of pathogenicity. Review status: criteria provided, conflicting classifications (1 of 4 stars). 4 submissions from 4 submitters: Uncertain significance (2); Likely benign (2). Last evaluated 2026-06-22.

Conditions:
FHOD3-related disorder. Also called: FHOD3-related condition.
Inborn genetic diseases. Identifiers: MedGen C0950123, MeSH D030342.

gnomAD v4.1: 173 of 1,598,908 alleles (0.011%); highest among the groups gnomAD compares: Admixed American, 0.014%; no homozygotes.

Submissions (4):

PreventionGenetics, part of Exact Sciences
Classification: Likely benign for FHOD3-related condition. Last evaluated: 2026-06-22. Review status: criteria provided, single submitter. Criteria: ACMG Guidelines, 2015. Collection method: clinical testing. Allele origin: germline.
Comment: This variant is classified as likely benign based on ACMG/AMP sequence variant interpretation guidelines (Richards et al. 2015 PMID: 25741868, with internal and published modifications).

Dasa
Classification: Uncertain significance. Last evaluated: 2025-12-02. Review status: criteria provided, single submitter. Criteria: DASA Assertion Criteria. Collection method: clinical testing. Allele origin: germline.
Comment: NM_001281740.3(FHOD3):c.2782G>A (p.Val928Ile) is a missense variant that results in the substitution of valine with isoleucine. This variant is rare in population databases. Computational prediction algorithms are consistent with a benign effect. The currently available literature and clinical evidence are not sufficient to establish a definitive association between this variant and the reported condition. Therefore, this variant is classified as a variant of uncertain significance.

Blueprint Genetics
Classification: Likely benign. Last evaluated: 2024-10-23. Review status: criteria provided, single submitter. Criteria: ACMG Guidelines, 2015. Collection method: clinical testing. Allele origin: germline.

Ambry Genetics
Classification: Uncertain significance for Inborn genetic diseases. Last evaluated: 2024-10-06. Review status: criteria provided, single submitter. Criteria: Ambry Variant Classification Scheme 2023. Collection method: clinical testing. Allele origin: germline.